The following is an entry in ClinVar:

ClinVar aggregate classification (germline): Pathogenic (1 of 4 stars; one submission).

Submission:

GeneDx
Classification: Pathogenic. Last evaluated: 2017-08-23. Review status: criteria provided, single submitter. Criteria: GeneDx Variant Classification (06012015). Collection method: clinical testing. Allele origin: germline. Affected: yes.
Comment: The c.2881delC variant in the AHDC1 gene causes a frameshift starting with codon Histidine 961, changes this amino acid to a Threonine residue, and creates a premature Stop codon at position 181 of the new reading frame, denoted p.His961ThrfsX181. This variant is predicted to cause loss of normal protein function through protein truncation, as the last 643 amino acids are replaced with 180 incorrect amino acids. Furthermore, the c.2881delC variant is not observed in large population cohorts (Lek et al., 2016; 1000 Genomes Consortium et al., 2015; Exome Variant Server).

NM_001371928.1(AHDC1):c.2881del (p.His961fs)

Gene: AHDC1 (AT-hook DNA binding motif containing 1; minus strand). Cytogenetic location: 1p36.11.
Variant type: Deletion.
Coding change: c.2881del on transcript NM_001371928.1 (MANE Select); coding-DNA position 2881, one base deleted (C; older notation c.2881delC).
Protein change: p.His961fs; shifts the reading frame from histidine 961.
Molecular consequence: frameshift variant.
Genome position (GRCh38, 1-based): chr1:27,549,235, G deleted on the plus strand (C on the coding strand, the reverse complement: AHDC1 is on the minus strand); the first of 3 consecutive G bases (chr1:27,549,235-27,549,237); deleting any one gives the same sequence. VCF-style (leftmost placement, unchanged base first): chr1-27549234-TG-T. GRCh37 (hg19) VCF-style: chr1-27875745-TG-T.
Other names: c.2881del, p.His961fs (NM_001029882.3); short protein forms H961fs.
Identifiers: ClinVar variation 451682 (VCV000451682.2), dbSNP rs1553158679, ClinGen allele CA658656895.